The following is an entry in ClinVar:

ClinVar aggregate classification (germline): Uncertain significance (1 of 4 stars; one submission).

Conditions:
Age related macular degeneration 4. Identifiers: MedGen C1853147, MONDO:0012540, OMIM 610698.

Submission:

Genomenon, Inc
Classification: Uncertain significance for Age related macular degeneration 4. Last evaluated: 2025-10-02. Review status: criteria provided, single submitter. Criteria: Genomenon Sequence Variant Interpretation Standards - Updated. Collection method: curation. Allele origin: germline. Affected: yes.
Comment: CFH p.Cys129Tyr (c.386G>A) is a missense variant that changes the amino acid at residue 129 from Cysteine to Tyrosine. This variant has been observed in at least one proband affected with age-related macular degeneration (PMID:29686068;26501415). It is absent or not present at a significant frequency in gnomAD. In silico models agree that this variant is possibly or probably damaging. In conclusion, we classify CFH p.Cys129Tyr (c.386G>A) as a variant of uncertain significance.

Literature cited by the submitters: PubMed 29686068; PubMed 26501415.

NM_000186.4(CFH):c.386G>A (p.Cys129Tyr)

Gene: CFH (complement factor H; plus strand). Cytogenetic location: 1q31.3.
Variant type: single nucleotide variant.
Coding change: c.386G>A on transcript NM_000186.4 (MANE Select); coding-DNA position 386, G replaced by A.
Protein change: p.Cys129Tyr; replaces cysteine 129 with tyrosine.
Molecular consequence: missense variant.
Genome position (GRCh38, 1-based): chr1:196,676,024, G>A. VCF-style: chr1-196676024-G-A. GRCh37 (hg19) VCF-style: chr1-196645154-G-A.
Other names: c.386G>A, p.Cys129Tyr (NM_001014975.3); short protein forms C129Y.
Identifiers: ClinVar variation 4291686 (VCV004291686.1).